The following is an entry in ClinVar:

ClinVar aggregate classification (germline): Pathogenic/Likely pathogenic. Review status: criteria provided, multiple submitters, no conflicts (2 of 4 stars). 3 submissions from 3 submitters: Pathogenic (1); Likely pathogenic (2). Last evaluated 2024-09-01.

Conditions:
OTOGL-related disorder. Also called: OTOGL-related condition.
Autosomal recessive nonsyndromic hearing loss 84B. Also called: Deafness, autosomal recessive 84b. Identifiers: Orphanet 90636, MedGen C3554159, MONDO:0013984, OMIM 614944.

Allele frequency attached by ClinVar (database versions not stated): ExAC 0.00001.
gnomAD v4.1: 8 of 1,594,066 alleles (0.0005%); highest among the groups gnomAD compares: African/African-American, 0.0027%; no homozygotes.

Submissions (3):

CeGaT Center for Human Genetics Tuebingen
Classification: Pathogenic. Last evaluated: 2024-09-01. Review status: criteria provided, single submitter. Criteria: CeGaT Center For Human Genetics Tuebingen Variant Classification Criteria Version 2. Collection method: clinical testing. Allele origin: germline. Affected: yes. Observed: 3 variant alleles.
Comment: OTOGL: PVS1, PM2, PM3

Blueprint Genetics
Classification: Likely pathogenic for OTOGL-related disorders. Last evaluated: 2024-06-26. Review status: criteria provided, single submitter. Criteria: ACMG Guidelines, 2015. Collection method: clinical testing. Allele origin: germline. Affected: yes. Observed: 3 variant alleles.

Juno Genomics, Hangzhou Juno Genomics, Inc
Classification: Likely pathogenic for Autosomal recessive nonsyndromic hearing loss 84B. Review status: criteria provided, single submitter. Criteria: ACMG Guidelines, 2015. Collection method: clinical testing. Allele origin: germline.
Comment: Null variant in a gene where loss of function (LOF) is a known mechanism of disease.;Absent from controls (or at extremely low frequency if recessive) in Genome Aggregation Database.

NM_001378609.3(OTOGL):c.4273C>T (p.Arg1425Ter)

Gene: OTOGL (otogelin like; plus strand). Cytogenetic location: 12q21.31.
Variant type: single nucleotide variant.
Coding change: c.4273C>T on transcript NM_001378609.3 (MANE Select); coding-DNA position 4273, C replaced by T.
Protein change: p.Arg1425Ter; replaces arginine 1425 with a stop codon.
Molecular consequence: nonsense.
Genome position (GRCh38, 1-based): chr12:80,328,738, C>T. VCF-style: chr12-80328738-C-T. GRCh37 (hg19) VCF-style: chr12-80722518-C-T.
Other names: c.4138C>T, p.Arg1380Ter (NM_001368062.3); c.4273C>T, p.Arg1425Ter (NM_001378610.3, NM_173591.7); short protein forms R1380*, R1425*.
Identifiers: ClinVar variation 1176602 (VCV001176602.37), dbSNP rs564117765, ClinGen allele CA6701317.